The following is an entry in ClinVar:

ClinVar aggregate classification (germline): Uncertain significance (1 of 4 stars; one submission).

Submission:

GeneDx
Classification: Uncertain significance. Last evaluated: 2022-07-19. Review status: criteria provided, single submitter. Criteria: GeneDx Variant Classification Process June 2021. Collection method: clinical testing. Allele origin: germline. Affected: yes.
Comment: Not observed at significant frequency in large population cohorts (gnomAD); Canonical splice site variant in a gene or region of a gene for which loss of function is not a well-established mechanism of disease; Has not been previously published as pathogenic or benign to our knowledge; Variants in candidate genes are classified as variants of uncertain significance in accordance with ACMG guidelines (Richards et al., 2015)

NM_015030.2(FRYL):c.411+1G>C

Gene: FRYL (FRY like transcription coactivator; minus strand). Cytogenetic location: 4p11.
Variant type: single nucleotide variant.
Coding change: c.411+1G>C on transcript NM_015030.2 (MANE Select); the canonical splice donor site of the intron after coding-DNA position 411, G replaced by C.
Molecular consequence: splice donor variant.
Genome position (GRCh38, 1-based): chr4:48,619,273, C>G on the plus strand (G>C on the coding strand, the complement: FRYL is on the minus strand). VCF-style: chr4-48619273-C-G. GRCh37 (hg19) VCF-style: chr4-48621290-C-G.
Identifiers: ClinVar variation 3342576 (VCV003342576.1).
Genomic context (GRCh38, chr4:48,619,273, plus strand): 5'-CACGAAGGCACAGTAAGCAAAGAATAAGGAATACAGACTTTGCAGAAATAAAAGAGCTTA[C>G]CTGCTTTAGAACTTCAACTAAAACTAAACAAAAAATGAAGTCTACTGCTAAGTCCCTCCT-3'